The following is an entry in ClinVar:

ClinVar aggregate classification (germline): Likely benign (1 of 4 stars; one submission).

Submission:

GeneDx
Classification: Likely benign. Last evaluated: 2021-05-28. Review status: criteria provided, single submitter. Criteria: GeneDx Variant Classification Process June 2021. Collection method: clinical testing. Allele origin: germline. Affected: yes.
Comment: See Variant Classification Assertion Criteria.

NM_001204.7(BMPR2):c.-963GGC[14]

Genes: BMPR2 (bone morphogenetic protein receptor type 2; plus strand), LOC129935432 (ATAC-STARR-seq lymphoblastoid silent region 12242; plus strand). Cytogenetic location: 2q33.1.
Variant type: Microsatellite.
Coding change: c.-963GGC[14] on transcript NM_001204.7 (MANE Select); 14 copies in a row of the 3-base unit GGC starting at c.-963; the reference has 12 copies in a row; two copies, 6 bases duplicated.
Molecular consequence: 5 prime UTR variant.
Genome position (GRCh38, 1-based): chr2:202,376,542-202,376,547, GGCGGC duplicated; duplicating any 6 consecutive bases within chr2:202,376,512-202,376,547 gives the same sequence; the position shown is the placement nearest the transcript's 3' end. VCF-style (leftmost placement, unchanged base first): chr2-202376511-A-AGGCGGC. GRCh37 (hg19) VCF-style: chr2-203241234-A-AGGCGGC.
Identifiers: ClinVar variation 1707255 (VCV001707255.2), dbSNP rs375624016, ClinGen allele CA430891465.